The following is an entry in ClinVar:

NM_001374828.1(ARID1B):c.1406G>C (p.Gly469Ala)

Gene: ARID1B (AT-rich interaction domain 1B; plus strand). Cytogenetic location: 6q25.3.
Variant type: single nucleotide variant.
Coding change: c.1406G>C on transcript NM_001374828.1 (MANE Select); coding-DNA position 1406, G replaced by C.
Protein change: p.Gly469Ala; replaces glycine 469 with alanine.
Molecular consequence: missense variant.
Genome position (GRCh38, 1-based): chr6:156,779,086, G>C. VCF-style: chr6-156779086-G-C. GRCh37 (hg19) VCF-style: chr6-157100220-G-C.
Other names: c.1157G>C, p.Gly386Ala (NM_001346813.1, NM_020732.3); c.1406G>C, p.Gly469Ala (NM_001371656.1, NM_001374820.1, NM_017519.3); c.983G>C, p.Gly328Ala (NM_175863.2); short protein forms G328A, G469A, G386A.
Identifiers: ClinVar variation 2738343 (VCV002738343.3), dbSNP rs1778967647, ClinGen allele CA366384275.

ClinVar aggregate classification (germline): Uncertain significance (1 of 4 stars; one submission).

gnomAD v4.1: 1 of 1,226,100 alleles (0.000082%); highest among the groups gnomAD compares: Non-Finnish European, 0.0001%; no homozygotes.

Submission:

Labcorp Genetics (formerly Invitae), Labcorp
Classification: Uncertain significance. Last evaluated: 2023-07-25. Review status: criteria provided, single submitter. Criteria: Invitae Variant Classification Sherloc (09022015). Collection method: clinical testing. Allele origin: germline.
Comment: This sequence change replaces glycine, which is neutral and non-polar, with alanine, which is neutral and non-polar, at codon 386 of the ARID1B protein (p.Gly386Ala). In summary, the available evidence is currently insufficient to determine the role of this variant in disease. Therefore, it has been classified as a Variant of Uncertain Significance. Advanced modeling of protein sequence and biophysical properties (such as structural, functional, and spatial information, amino acid conservation, physicochemical variation, residue mobility, and thermodynamic stability) performed at Invitae indicates that this missense variant is not expected to disrupt ARID1B protein function. This variant has not been reported in the literature in individuals affected with ARID1B-related conditions. The frequency data for this variant in the population databases is considered unreliable, as metrics indicate insufficient coverage at this position in the gnomAD database.